The following is an entry in ClinVar:

NM_032139.3(ANKRD27):c.2222G>A (p.Ser741Asn)

Gene: ANKRD27 (ankyrin repeat domain 27; minus strand). Cytogenetic location: 19q13.11.
Variant type: single nucleotide variant.
Coding change: c.2222G>A on transcript NM_032139.3 (MANE Select); coding-DNA position 2222, G replaced by A.
Protein change: p.Ser741Asn; replaces serine 741 with asparagine.
Molecular consequence: missense variant.
Genome position (GRCh38, 1-based): chr19:32,607,786, C>T on the plus strand (G>A on the coding strand, the complement: ANKRD27 is on the minus strand). VCF-style: chr19-32607786-C-T. GRCh37 (hg19) VCF-style: chr19-33098692-C-T.
Other names: short protein forms S741N.
Identifiers: ClinVar variation 2649682 (VCV002649682.24), dbSNP rs141153706, ClinGen allele CA9356545.

ClinVar aggregate classification (germline): Likely benign (1 of 4 stars; one submission).

Allele frequency attached by ClinVar (database versions not stated): gnomAD 0.00026; gnomAD exomes 0.00043; ExAC 0.00118; 1000 Genomes Project 30x 0.00297; TOPMed 0.00005; ESP Exome Variant Server 0.00008; 1000 Genomes Project 0.00359.
gnomAD v4.1: 665 of 1,611,386 alleles (0.041%); highest among the groups gnomAD compares: South Asian, 0.61%; 10 homozygotes.

Submission:

CeGaT Center for Human Genetics Tuebingen
Classification: Likely benign. Last evaluated: 2022-08-01. Review status: criteria provided, single submitter. Criteria: CeGaT Center For Human Genetics Tuebingen Variant Classification Criteria Version 2. Collection method: clinical testing. Allele origin: germline. Affected: yes. Observed: 1 variant allele.
Comment: ANKRD27: BP4